The following is an entry in ClinVar:

ClinVar aggregate classification (germline): Likely pathogenic (1 of 4 stars; one submission).

Conditions:
MHC class II deficiency. Also called: Bare lymphocyte syndrome 2; BLS, TYPE II. Identifiers: Orphanet 572, MedGen C5447452, MONDO:0008855.

Submission:

Labcorp Genetics (formerly Invitae), Labcorp
Classification: Likely pathogenic for MHC class II deficiency. Last evaluated: 2023-12-31. Review status: criteria provided, single submitter. Criteria: Invitae Variant Classification Sherloc (09022015). Collection method: clinical testing. Allele origin: germline.
Comment: This sequence change affects an acceptor splice site in intron 6 of the CIITA gene. It is expected to disrupt RNA splicing. Variants that disrupt the donor or acceptor splice site typically lead to a loss of protein function (PMID: 16199547), and loss-of-function variants in CIITA are known to be pathogenic (PMID: 8402893, 9099848, 26271388). This variant is not present in population databases (gnomAD no frequency). This variant has not been reported in the literature in individuals affected with CIITA-related conditions. Algorithms developed to predict the effect of sequence changes on RNA splicing suggest that this variant may disrupt the consensus splice site. In summary, the currently available evidence indicates that the variant is pathogenic, but additional data are needed to prove that conclusively. Therefore, this variant has been classified as Likely Pathogenic.

Literature cited by the submitters: PubMed 16199547; PubMed 8402893; PubMed 9099848; PubMed 26271388.

NM_000246.4(CIITA):c.482-1G>C

Gene: CIITA (class II major histocompatibility complex transactivator; plus strand). Cytogenetic location: 16p13.13.
Variant type: single nucleotide variant.
Coding change: c.482-1G>C on transcript NM_000246.4 (MANE Select); the canonical splice acceptor site of the intron before coding-DNA position 482, G replaced by C.
Molecular consequence: splice acceptor variant. On other transcripts: intron variant (3).
Genome position (GRCh38, 1-based): chr16:10,902,037, G>C. VCF-style: chr16-10902037-G-C. GRCh37 (hg19) VCF-style: chr16-10995894-G-C.
Other names: c.485-1G>C (NM_001286402.1, NM_001379332.1); c.484+479G>C (NM_001379330.1); c.482-1G>C (NM_001379333.1); c.481+479G>C (NM_001379331.1, NM_001286403.2); c.413-1G>C (NM_001379334.1).
Identifiers: ClinVar variation 2704913 (VCV002704913.3), dbSNP rs2544401055, ClinGen allele CA394728136.